The following is an entry in ClinVar:

ClinVar aggregate classification (germline): Benign. Review status: criteria provided, multiple submitters, no conflicts (2 of 4 stars). 3 submissions from 3 submitters: Benign (3). Last evaluated 2026-01-27.

Conditions:
MYH7B-related disorder. Also called: MYH7B-related condition.

Allele frequency attached by ClinVar (database versions not stated): gnomAD exomes 0.00038; ExAC 0.00084; ESP Exome Variant Server 0.00240; gnomAD 0.00253 and 0.00272; TOPMed 0.00276; 1000 Genomes Project 30x 0.00359; 1000 Genomes Project 0.00379.
gnomAD v4.1: 958 of 1,614,062 alleles (0.059%); highest among the groups gnomAD compares: African/African-American, 0.96%; 5 homozygotes.

Submissions (3):

Labcorp Genetics (formerly Invitae), Labcorp
Classification: Benign. Last evaluated: 2026-01-27. Review status: criteria provided, single submitter. Criteria: Invitae Variant Classification Sherloc (09022015). Collection method: clinical testing. Allele origin: germline.

PreventionGenetics, part of Exact Sciences
Classification: Benign for MYH7B-related condition. Last evaluated: 2025-03-31. Review status: criteria provided, single submitter. Criteria: ACMG Guidelines, 2015. Collection method: clinical testing. Allele origin: germline.
Comment: This variant is classified as benign based on ACMG/AMP sequence variant interpretation guidelines (Richards et al. 2015 PMID: 25741868, with internal and published modifications).

Breakthrough Genomics
Classification: Benign. Review status: criteria provided, single submitter. Criteria: ACMG Guidelines, 2015. Collection method: not provided. Allele origin: germline. Inheritance: Unknown mechanism. Affected: yes.

NM_020884.7(MYH7B):c.792G>A (p.Ala264=)

Gene: MYH7B (myosin heavy chain 7B; plus strand). Cytogenetic location: 20q11.22.
Variant type: single nucleotide variant.
Coding change: c.792G>A on transcript NM_020884.7 (MANE Select); coding-DNA position 792, G replaced by A.
Protein change: p.Ala264=; no amino-acid change (alanine 264 retained).
Molecular consequence: synonymous variant.
Genome position (GRCh38, 1-based): chr20:34,985,116, G>A. VCF-style: chr20-34985116-G-A. GRCh37 (hg19) VCF-style: chr20-33572919-G-A.
Identifiers: ClinVar variation 781547 (VCV000781547.11), dbSNP rs141710855, ClinGen allele CA9826649.